The following is an entry in ClinVar:

NM_001042492.3(NF1):c.5792T>A (p.Ile1931Asn)

Gene: NF1 (neurofibromin 1; plus strand). Cytogenetic location: 17q11.2.
Variant type: single nucleotide variant.
Coding change: c.5792T>A on transcript NM_001042492.3 (MANE Select); coding-DNA position 5792, T replaced by A.
Protein change: p.Ile1931Asn; replaces isoleucine 1931 with asparagine.
Molecular consequence: missense variant.
Genome position (GRCh38, 1-based): chr17:31,330,478, T>A. VCF-style: chr17-31330478-T-A. GRCh37 (hg19) VCF-style: chr17-29657496-T-A.
Other names: c.5729T>A, p.Ile1910Asn (NM_000267.4); short protein forms I1931N, I1910N.
Identifiers: ClinVar variation 1749312 (VCV001749312.2), dbSNP rs2508719552, ClinGen allele CA399010485.

ClinVar aggregate classification (germline): Uncertain significance (1 of 4 stars; one submission).

Conditions:
Cardiovascular phenotype. Identifiers: MedGen CN230736.
Hereditary cancer-predisposing syndrome. Also called: Hereditary Cancer Syndrome; Hereditary neoplastic syndrome; Neoplastic Syndromes, Hereditary; Tumor predisposition. Identifiers: Orphanet 140162, MedGen C0027672, MeSH D009386, MONDO:0015356.

Submission:

Ambry Genetics
Classification: Uncertain significance for Cardiovascular phenotype; Hereditary cancer-predisposing syndrome. Last evaluated: 2020-09-30. Review status: criteria provided, single submitter. Criteria: Ambry Variant Classification Scheme 2023. Collection method: clinical testing. Allele origin: germline.
Comment: The p.I1910N variant (also known as c.5729T>A), located in coding exon 38 of the NF1 gene, results from a T to A substitution at nucleotide position 5729. The isoleucine at codon 1910 is replaced by asparagine, an amino acid with dissimilar properties. This amino acid position is highly conserved in available vertebrate species. In addition, this alteration is predicted to be deleterious by in silico analysis. Since supporting evidence is limited at this time, the clinical significance of this alteration remains unclear.